The following is an entry in ClinVar:

ClinVar aggregate classification (germline): Uncertain significance. Review status: criteria provided, multiple submitters, no conflicts (2 of 4 stars). 2 submissions from 2 submitters: Uncertain significance (2). Last evaluated 2024-07-03.

Conditions:
Congenital myopathy with internal nuclei and atypical cores. Also called: Myopathy, centronuclear, 4. Identifiers: Orphanet 319160, MedGen C4707232, MONDO:0013890, OMIM 614807.

Allele frequency attached by ClinVar (database versions not stated): ExAC 0.00002; gnomAD 0.00003 and 0.00004; gnomAD exomes 0.00003; TOPMed 0.00004.
gnomAD v4.1: 49 of 1,612,584 alleles (0.003%); highest among the groups gnomAD compares: South Asian, 0.0066%; no homozygotes.

Submissions (2):

Labcorp Genetics (formerly Invitae), Labcorp
Classification: Uncertain significance for Congenital myopathy with internal nuclei and atypical cores. Last evaluated: 2024-07-03. Review status: criteria provided, single submitter. Criteria: Invitae Variant Classification Sherloc (09022015). Collection method: clinical testing. Allele origin: germline.
Comment: This sequence change replaces arginine, which is basic and polar, with histidine, which is basic and polar, at codon 186 of the CCDC78 protein (p.Arg186His). This variant is present in population databases (rs762337009, gnomAD 0.006%). This variant has not been reported in the literature in individuals affected with CCDC78-related conditions. ClinVar contains an entry for this variant (Variation ID: 571330). Advanced modeling of protein sequence and biophysical properties (such as structural, functional, and spatial information, amino acid conservation, physicochemical variation, residue mobility, and thermodynamic stability) performed at Invitae indicates that this missense variant is not expected to disrupt CCDC78 protein function with a negative predictive value of 80%. In summary, the available evidence is currently insufficient to determine the role of this variant in disease. Therefore, it has been classified as a Variant of Uncertain Significance.

Revvity Omics, Revvity
Classification: Uncertain significance for Congenital myopathy with internal nuclei and atypical cores. Last evaluated: 2024-06-06. Review status: criteria provided, single submitter. Criteria: ACMG Guidelines, 2015. Collection method: clinical testing. Allele origin: germline.

NM_001378030.1(CCDC78):c.557G>A (p.Arg186His)

Gene: CCDC78 (coiled-coil domain containing 78; minus strand). Cytogenetic location: 16p13.3.
Variant type: single nucleotide variant.
Coding change: c.557G>A on transcript NM_001378030.1 (MANE Select); coding-DNA position 557, G replaced by A.
Protein change: p.Arg186His; replaces arginine 186 with histidine.
Molecular consequence: missense variant. On other transcripts: synonymous variant (1), non-coding transcript variant (5).
Genome position (GRCh38, 1-based): chr16:725,081, C>T on the plus strand (G>A on the coding strand, the complement: CCDC78 is on the minus strand). VCF-style: chr16-725081-C-T. GRCh37 (hg19) VCF-style: chr16-775081-C-T.
Other names: c.557G>A, p.Arg186His (NM_001031737.3, NM_001378031.1); c.195G>A, p.Ala65= (NM_001378033.1); short protein forms R186H.
Identifiers: ClinVar variation 571330 (VCV000571330.9), dbSNP rs762337009, ClinGen allele CA7789536.